The following is an entry in ClinVar:

ClinVar aggregate classification (germline): Pathogenic (1 of 4 stars; one submission).

Conditions:
Rubinstein-Taybi syndrome (RSTS). Identifiers: Orphanet 783, MedGen C0035934, MONDO:0019188.

Allele frequency attached by ClinVar (database versions not stated): gnomAD exomes below 0.00001.
gnomAD v4.1: 1 of 1,614,240 alleles (0.000062%); highest among the groups gnomAD compares: Non-Finnish European, 0.000085%; no homozygotes.

Submission:

Labcorp Genetics (formerly Invitae), Labcorp
Classification: Pathogenic for Rubinstein-Taybi syndrome. Last evaluated: 2023-03-12. Review status: criteria provided, single submitter. Criteria: Invitae Variant Classification Sherloc (09022015). Collection method: clinical testing. Allele origin: germline.
Comment: This variant is not present in population databases (gnomAD no frequency). For these reasons, this variant has been classified as Pathogenic. This variant has not been reported in the literature in individuals affected with CREBBP-related conditions. This sequence change creates a premature translational stop signal (p.Gln245*) in the CREBBP gene. It is expected to result in an absent or disrupted protein product. Loss-of-function variants in CREBBP are known to be pathogenic (PMID: 17052327, 18792986).

Literature cited by the submitters: PubMed 17052327; PubMed 18792986.

NM_004380.3(CREBBP):c.733C>T (p.Gln245Ter)

Gene: CREBBP (CREB binding lysine acetyltransferase; minus strand). Cytogenetic location: 16p13.3.
Variant type: single nucleotide variant.
Coding change: c.733C>T on transcript NM_004380.3 (MANE Select); coding-DNA position 733, C replaced by T.
Protein change: p.Gln245Ter; replaces glutamine 245 with a stop codon.
Molecular consequence: nonsense.
Genome position (GRCh38, 1-based): chr16:3,850,362, G>A on the plus strand (C>T on the coding strand, the complement: CREBBP is on the minus strand). VCF-style: chr16-3850362-G-A. GRCh37 (hg19) VCF-style: chr16-3900363-G-A.
Other names: c.733C>T, p.Gln245Ter (NM_001079846.1); short protein forms Q245*.
Identifiers: ClinVar variation 2845153 (VCV002845153.3), dbSNP rs2548544025, ClinGen allele CA394559335.
Genomic context (GRCh38, chr16:3,850,362, plus strand): 5'-CCATGCCTCCTGCCTGTGCGGTGTTCAGTCCCGCGTGACCAGTCATTTGCGGGGAAACCT[G>A]CGTTAGGGTCTCAGCCAGCACGCTGCTCGAGGCGCCCTGCATGGCTGGAGTAGGGTACGG-3'